The following is an entry in ClinVar:

ClinVar aggregate classification (germline): Uncertain significance. Review status: criteria provided, multiple submitters, no conflicts (2 of 4 stars). 2 submissions from 2 submitters: Uncertain significance (2). Last evaluated 2025-08-22.

Conditions:
Inborn genetic diseases. Identifiers: MedGen C0950123, MeSH D030342.

Allele frequency attached by ClinVar (database versions not stated): gnomAD 0.00001; ExAC 0.00002; gnomAD exomes 0.00002; TOPMed 0.00002; ESP Exome Variant Server 0.00015.
gnomAD v4.1: 11 of 1,613,906 alleles (0.00068%); highest among the groups gnomAD compares: South Asian, 0.0022%; no homozygotes.

Submissions (2):

Labcorp Genetics (formerly Invitae), Labcorp
Classification: Uncertain significance. Last evaluated: 2025-08-22. Review status: criteria provided, single submitter. Criteria: Invitae Variant Classification Sherloc (09022015). Collection method: clinical testing. Allele origin: germline.
Comment: This sequence change replaces arginine, which is basic and polar, with cysteine, which is neutral and slightly polar, at codon 665 of the INTU protein (p.Arg665Cys). This variant is present in population databases (rs373140548, gnomAD 0.01%). This variant has not been reported in the literature in individuals affected with INTU-related conditions. ClinVar contains an entry for this variant (Variation ID: 2155149). Invitae Evidence Modeling of protein sequence and biophysical properties (such as structural, functional, and spatial information, amino acid conservation, physicochemical variation, residue mobility, and thermodynamic stability) indicates that this missense variant is not expected to disrupt INTU protein function with a negative predictive value of 80%. In summary, the available evidence is currently insufficient to determine the role of this variant in disease. Therefore, it has been classified as a Variant of Uncertain Significance.

Ambry Genetics
Classification: Uncertain significance for Inborn genetic diseases. Last evaluated: 2024-03-30. Review status: criteria provided, single submitter. Criteria: Ambry Variant Classification Scheme 2023. Collection method: clinical testing. Allele origin: germline.

NM_015693.4(INTU):c.1993C>T (p.Arg665Cys)

Gene: INTU (inturned planar cell polarity protein; plus strand). Cytogenetic location: 4q28.1.
Variant type: single nucleotide variant.
Coding change: c.1993C>T on transcript NM_015693.4 (MANE Select); coding-DNA position 1993, C replaced by T.
Protein change: p.Arg665Cys; replaces arginine 665 with cysteine.
Molecular consequence: missense variant.
Genome position (GRCh38, 1-based): chr4:127,706,691, C>T. VCF-style: chr4-127706691-C-T. GRCh37 (hg19) VCF-style: chr4-128627846-C-T.
Other names: c.1993C>T (NM_015693.3); short protein forms R665C.
Identifiers: ClinVar variation 2155149 (VCV002155149.5), dbSNP rs373140548, ClinGen allele CA3075231.